The following is an entry in ClinVar:

NM_021870.3(FGG):c.901C>A (p.Arg301Ser)

Gene: FGG (fibrinogen gamma chain; minus strand). Cytogenetic location: 4q32.1.
Variant type: single nucleotide variant.
Coding change: c.901C>A on transcript NM_021870.3 (MANE Select); coding-DNA position 901, C replaced by A.
Protein change: p.Arg301Ser; replaces arginine 301 with serine.
Molecular consequence: missense variant.
Genome position (GRCh38, 1-based): chr4:154,606,933, G>T on the plus strand (C>A on the coding strand, the complement: FGG is on the minus strand). VCF-style: chr4-154606933-G-T. GRCh37 (hg19) VCF-style: chr4-155528085-G-T.
Other names: p.Arg301Ser; c.901C>A, p.Arg301Ser (NM_000509.6); short protein forms R301S.
Identifiers: ClinVar variation 2683325 (VCV002683325.1), dbSNP rs121913087, ClinGen allele CA358536045.

ClinVar aggregate classification (germline): Pathogenic (1 of 4 stars; one submission).

Submission:

Mayo Clinic Laboratories, Mayo Clinic
Classification: Pathogenic. Last evaluated: 2022-05-04. Review status: criteria provided, single submitter. Criteria: ACMG Guidelines, 2015. Collection method: clinical testing. Allele origin: germline. Observed: 2 variant alleles.
Comment: PP3, PM1, PM2, PM5, PS3